The following is an entry in ClinVar:

NM_133459.4(CCBE1):c.552T>C (p.Thr184=)

Gene: CCBE1 (collagen and calcium binding EGF domains 1; minus strand). Cytogenetic location: 18q21.32.
Variant type: single nucleotide variant.
Coding change: c.552T>C on transcript NM_133459.4 (MANE Select); coding-DNA position 552, T replaced by C.
Protein change: p.Thr184=; no amino-acid change (threonine 184 retained).
Molecular consequence: synonymous variant.
Genome position (GRCh38, 1-based): chr18:59,466,740, A>G on the plus strand (T>C on the coding strand, the complement: CCBE1 is on the minus strand). VCF-style: chr18-59466740-A-G. GRCh37 (hg19) VCF-style: chr18-57133972-A-G.
Identifiers: ClinVar variation 890866 (VCV000890866.6), dbSNP rs771507895, ClinGen allele CA8980462.
Genomic context (GRCh38, chr18:59,466,740, plus strand): 5'-TATATATATAATATATAAAAATATGTAATTAGGGAGATATTTAGACTTGCCCTACTTACC[A>G]GTGTCATTGGGATATTTGTCTCCCCTGGTACATGTCTTCCCATCATCTTCCCGGATGTAG-3'
Protein context (NP_597716.1, residues 174-194): CTRGDKYPND[Thr184=]GHEKSENMVK

ClinVar aggregate classification (germline): Conflicting classifications of pathogenicity. Review status: criteria provided, conflicting classifications (1 of 4 stars). 3 submissions from 3 submitters: Uncertain significance (2); Likely benign (1). Last evaluated 2024-09-20.

Conditions:
Hennekam lymphangiectasia-lymphedema syndrome 1 (HKLLS1). Also called: LYMPHATIC DYSPLASIA, GENERALIZED. Identifiers: Orphanet 2136, MedGen C4012050, MONDO:0009337, OMIM 235510.

Allele frequency attached by ClinVar (database versions not stated): TOPMed below 0.00001; gnomAD exomes 0.00001 and 0.00002; ExAC 0.00002.
gnomAD v4.1: 21 of 1,612,078 alleles (0.0013%); highest among the groups gnomAD compares: Non-Finnish European, 0.0014%; no homozygotes.

Submissions (3):

3billion
Classification: Likely benign for Hennekam lymphangiectasia-lymphedema syndrome 1. Last evaluated: 2024-09-20. Review status: criteria provided, single submitter. Criteria: ACMG Guidelines, 2015. Collection method: clinical testing. Allele origin: germline. Affected: no.
Comment: The homozygous variant was found in patients diagnosed with another variant in a different gene, with no symptoms related to the gene containing the homozygous variant.

Labcorp Genetics (formerly Invitae), Labcorp
Classification: Uncertain significance. Last evaluated: 2022-07-19. Review status: criteria provided, single submitter. Criteria: Invitae Variant Classification Sherloc (09022015). Collection method: clinical testing. Allele origin: germline.
Comment: This sequence change affects codon 184 of the CCBE1 mRNA. It is a 'silent' change, meaning that it does not change the encoded amino acid sequence of the CCBE1 protein. It affects a nucleotide within the consensus splice site. This variant is present in population databases (rs771507895, gnomAD 0.01%). This variant has not been reported in the literature in individuals affected with CCBE1-related conditions. ClinVar contains an entry for this variant (Variation ID: 890866). Algorithms developed to predict the effect of sequence changes on RNA splicing suggest that this variant is not likely to affect RNA splicing. In summary, the available evidence is currently insufficient to determine the role of this variant in disease. Therefore, it has been classified as a Variant of Uncertain Significance.

Illumina Laboratory Services, Illumina
Classification: Uncertain significance for Hennekam lymphangiectasia-lymphedema syndrome 1. Last evaluated: 2018-01-13. Review status: criteria provided, single submitter. Criteria: ICSL Variant Classification Criteria 13 December 2019. Collection method: clinical testing. Allele origin: germline.